The following is an entry in ClinVar:

ClinVar aggregate classification (germline): Uncertain significance (1 of 4 stars; one submission).

Allele frequency attached by ClinVar (database versions not stated): ExAC 0.00001; gnomAD 0.00001; TOPMed 0.00001.
gnomAD v4.1: 6 of 1,613,912 alleles (0.00037%); highest among the groups gnomAD compares: Admixed American, 0.0067%; no homozygotes.

Submission:

Labcorp Genetics (formerly Invitae), Labcorp
Classification: Uncertain significance. Last evaluated: 2023-08-16. Review status: criteria provided, single submitter. Criteria: Invitae Variant Classification Sherloc (09022015). Collection method: clinical testing. Allele origin: germline.
Comment: In summary, the available evidence is currently insufficient to determine the role of this variant in disease. Therefore, it has been classified as a Variant of Uncertain Significance. Algorithms developed to predict the effect of sequence changes on RNA splicing suggest that this variant may disrupt the consensus splice site. Advanced modeling of protein sequence and biophysical properties (such as structural, functional, and spatial information, amino acid conservation, physicochemical variation, residue mobility, and thermodynamic stability) performed at Invitae indicates that this missense variant is not expected to disrupt SGPL1 protein function. This variant has not been reported in the literature in individuals affected with SGPL1-related conditions. This variant is present in population databases (rs750993580, gnomAD 0.009%). This sequence change replaces glutamic acid, which is acidic and polar, with aspartic acid, which is acidic and polar, at codon 111 of the SGPL1 protein (p.Glu111Asp).

NM_003901.4(SGPL1):c.333G>T (p.Glu111Asp)

Gene: SGPL1 (sphingosine-1-phosphate lyase 1; plus strand). Cytogenetic location: 10q22.1.
Variant type: single nucleotide variant.
Coding change: c.333G>T on transcript NM_003901.4 (MANE Select); coding-DNA position 333, G replaced by T.
Protein change: p.Glu111Asp; replaces glutamic acid 111 with aspartic acid.
Molecular consequence: missense variant.
Genome position (GRCh38, 1-based): chr10:70,854,779, G>T. VCF-style: chr10-70854779-G-T. GRCh37 (hg19) VCF-style: chr10-72614536-G-T.
Other names: short protein forms E111D.
Identifiers: ClinVar variation 2746097 (VCV002746097.3), dbSNP rs750993580, ClinGen allele CA5541151.